The following is an entry in ClinVar:

ClinVar aggregate classification (germline): Pathogenic/Likely pathogenic. Review status: criteria provided, multiple submitters, no conflicts (2 of 4 stars). 2 submissions from 2 submitters: Pathogenic (1); Likely pathogenic (1). Last evaluated 2020-09-20.

Conditions:
Familial thoracic aortic aneurysm and aortic dissection (TAAD). Also called: Thoracic aortic aneurysms and dissections. Identifiers: Orphanet 91387, MedGen C4707243, MONDO:0019625.
Marfan syndrome (MFS). Also called: Marfan syndrome type 1; Marfan syndrome, classic; Marfan's syndrome; FBN1-Related Marfan Syndrome; MARFAN SYNDROME, TYPE I. Identifiers: Orphanet 284963, Orphanet 558, MedGen C0024796, MONDO:0007947, OMIM 154700.

Submissions (2):

Labcorp Genetics (formerly Invitae), Labcorp
Classification: Pathogenic for Marfan syndrome; Familial thoracic aortic aneurysm and aortic dissection. Last evaluated: 2020-09-20. Review status: criteria provided, single submitter. Criteria: Invitae Variant Classification Sherloc (09022015). Collection method: clinical testing. Allele origin: germline.
Comment: For these reasons, this variant has been classified as Pathogenic. This variant disrupts the p.Cys2251 amino acid residue in FBN1. Other variant(s) that disrupt this residue have been observed in individuals with FBN1-related conditions (PMID: 12402346, Invitae), which suggests that this may be a clinically significant amino acid residue. This variant affects a cysteine residue in the EGF-like, TGFBP or hybrid motif domains of FBN1. Cysteine residues are believed to be involved in intramolecular disulfide bridges and have been shown to be important for FBN1 protein structure (PMID: 16905551, 19349279). In addition, missense substitutions affecting cysteine residues within these domains are significantly overrepresented among patients with Marfan syndrome (PMID: 16571647, 17701892). Algorithms developed to predict the effect of missense changes on protein structure and function are either unavailable or do not agree on the potential impact of this missense change (SIFT: "Deleterious"; PolyPhen-2: "Probably Damaging"; Align-GVGD: "Class C0"). This variant has been reported in individuals with clinical features of Marfan syndrome (PMID: 10533071). ClinVar contains an entry for this variant (Variation ID: 519780). This variant is not present in population databases (ExAC no frequency). This sequence change replaces cysteine with serine at codon 2251 of the FBN1 protein (p.Cys2251Ser). The cysteine residue is highly conserved and there is a moderate physicochemical difference between cysteine and serine.

Ambry Genetics
Classification: Likely pathogenic for Familial thoracic aortic aneurysm and aortic dissection. Last evaluated: 2017-06-15. Review status: criteria provided, single submitter. Criteria: Ambry Variant Classification Scheme 2023. Collection method: clinical testing. Allele origin: germline.
Comment: The p.C2251S variant (also known as c.6751T>A), located in coding exon 55 of the FBN1 gene, results from a T to A substitution at nucleotide position 6751. The cysteine at codon 2251 is replaced by serine, an amino acid with dissimilar properties, and is located in the cbEGF-like #35 domain. This alteration has been reported in a cohort of subjects with Marfan syndrome and related disorders (Yuan B. et al. Hum. Mutat. 1999;14(5):440-6). In addition, another alteration affecting the same amino acid, p.C2251R (c.6751T>C), has been reported in association with Marfan syndrome (Rommel K. et al. Hum. Mutat. 2002 Nov;20(5):406-7). Based on internal structural assessment, this alteration eliminates a structurally critical disulfide bond in the structurally sensitive cbEGF domain #35 (Downing AK. et al. Cell. 1996 May:17;85(4):597-605). This amino acid position is highly conserved in available vertebrate species. In addition, this alteration is predicted to be deleterious by in silico analysis. Based on the majority of available evidence to date, this variant is likely to be pathogenic.

Literature cited by the submitters: PubMed 12402346 (cited by Labcorp Genetics (formerly Invitae), Labcorp); PubMed 16905551 (cited by Labcorp Genetics (formerly Invitae), Labcorp); PubMed 19349279 (cited by Labcorp Genetics (formerly Invitae), Labcorp); PubMed 16571647 (cited by Labcorp Genetics (formerly Invitae), Labcorp); PubMed 17701892 (cited by Labcorp Genetics (formerly Invitae), Labcorp); PubMed 10533071 (cited by Labcorp Genetics (formerly Invitae), Labcorp).

NM_000138.5(FBN1):c.6751T>A (p.Cys2251Ser)

Gene: FBN1 (fibrillin 1; minus strand). Cytogenetic location: 15q21.1.
Variant type: single nucleotide variant.
Coding change: c.6751T>A on transcript NM_000138.5 (MANE Select); coding-DNA position 6751, T replaced by A.
Protein change: p.Cys2251Ser; replaces cysteine 2251 with serine.
Molecular consequence: missense variant.
Genome position (GRCh38, 1-based): chr15:48,430,791, A>T on the plus strand (T>A on the coding strand, the complement: FBN1 is on the minus strand). VCF-style: chr15-48430791-A-T. GRCh37 (hg19) VCF-style: chr15-48722988-A-T.
Other names: short protein forms C2251S.
Identifiers: ClinVar variation 519780 (VCV000519780.15), dbSNP rs112836174, ClinGen allele CA392332895.